The following is an entry in ClinVar:

ClinVar aggregate classification (germline): Uncertain significance (1 of 4 stars; one submission).

Allele frequency attached by ClinVar (database versions not stated): gnomAD exomes below 0.00001.
gnomAD v4.1: 3 of 1,613,718 alleles (0.00019%); highest among the groups gnomAD compares: South Asian, 0.0022%; no homozygotes.

Submission:

GeneDx
Classification: Uncertain significance. Last evaluated: 2022-11-08. Review status: criteria provided, single submitter. Criteria: GeneDx Variant Classification Process June 2021. Collection method: clinical testing. Allele origin: germline. Affected: yes.
Comment: Not observed at significant frequency in large population cohorts (gnomAD); In silico analysis supports that this missense variant does not alter protein structure/function; Has not been previously published as pathogenic or benign to our knowledge

NM_032119.4(ADGRV1):c.10583C>T (p.Ala3528Val)

Gene: ADGRV1 (adhesion G protein-coupled receptor V1; plus strand). Cytogenetic location: 5q14.3.
Variant type: single nucleotide variant.
Coding change: c.10583C>T on transcript NM_032119.4 (MANE Select); coding-DNA position 10583, C replaced by T.
Protein change: p.Ala3528Val; replaces alanine 3528 with valine.
Molecular consequence: missense variant. On other transcripts: non-coding transcript variant (1).
Genome position (GRCh38, 1-based): chr5:90,745,079, C>T. VCF-style: chr5-90745079-C-T. GRCh37 (hg19) VCF-style: chr5-90040896-C-T.
Other names: short protein forms A3528V.
Identifiers: ClinVar variation 2501545 (VCV002501545.1), dbSNP rs2531537593, ClinGen allele CA360407612.
Genomic context (GRCh38, chr5:90,745,079, plus strand): 5'-AAGTTGTTTTTTCTTTCCTTCCTGCAGCCCACATACTTCTTATTGGCCAAGATATGTCTG[C>T]TCTTTACTGCTGGAATTCGGAGCGTAATCAATTCTCTTTTGTTCTGGAAGTACCTTCTGC-3'
Protein context (NP_115495.3, residues 3518-3538): HILLIGQDMS[Ala3528Val]LYCWNSERNQ